The following is an entry in ClinVar:

NM_000264.5(PTCH1):c.2857G>A (p.Ala953Thr)

Gene: PTCH1 (patched 1; minus strand). Cytogenetic location: 9q22.32.
Variant type: single nucleotide variant.
Coding change: c.2857G>A on transcript NM_000264.5 (MANE Select); coding-DNA position 2857, G replaced by A.
Protein change: p.Ala953Thr; replaces alanine 953 with threonine.
Molecular consequence: missense variant. On other transcripts: non-coding transcript variant (1).
Genome position (GRCh38, 1-based): chr9:95,459,630, C>T on the plus strand (G>A on the coding strand, the complement: PTCH1 is on the minus strand). VCF-style: chr9-95459630-C-T. GRCh37 (hg19) VCF-style: chr9-98221912-C-T.
Other names: c.2404G>A, p.Ala802Thr (NM_001083605.3, NM_001083606.3, NM_001083607.3 and 1 more transcripts); c.2701G>A, p.Ala901Thr (NM_001354918.2); c.2659G>A, p.Ala887Thr (NM_001083602.3); c.2854G>A, p.Ala952Thr (NM_001083603.3); short protein forms A953T, A802T, A887T, A952T, A901T.
Identifiers: ClinVar variation 3010717 (VCV003010717.5), dbSNP rs765746826, ClinGen allele CA5138314.
Genomic context (GRCh38, chr9:95,459,630, plus strand): 5'-TCCCAGACCTCCCGATAAAACGCTACTTACTTCTCAGCCTTGTTTCAGGCATGTAGTCGG[C>T]TTTGTCGTGGACCCATTCTGGTCGGTGTGGCCGGATGTTGGCCTGGGAGGCAGCATACGC-3'
Protein context (NP_000255.2, residues 943-963): PHRPEWVHDK[Ala953Thr]DYMPETRLRI

ClinVar aggregate classification (germline): Conflicting classifications of pathogenicity. Review status: criteria provided, conflicting classifications (1 of 4 stars). 3 submissions from 3 submitters: Uncertain significance (2); Likely benign (1). Last evaluated 2026-03-12.

Conditions:
Basal cell carcinoma, susceptibility to, 1. Also called: BCC1. Identifiers: MedGen C2751544, MONDO:0011556, OMIM 605462.
Hereditary cancer-predisposing syndrome. Also called: Neoplastic Syndromes, Hereditary; Tumor predisposition; Hereditary Cancer Syndrome; Hereditary neoplastic syndrome. Identifiers: Orphanet 140162, MedGen C0027672, MeSH D009386, MONDO:0015356.
Gorlin syndrome. Also called: Nevoid Basal Cell Carcinoma Syndrome; Basal cell nevus syndrome. Identifiers: Orphanet 377, MedGen C0004779, MONDO:0007187.

Allele frequency attached by ClinVar (database versions not stated): ExAC 0.00001.
gnomAD v4.1: 2 of 1,614,052 alleles (0.00012%); highest among the groups gnomAD compares: Non-Finnish European, 0.00017%; no homozygotes.

Submissions (3):

Ambry Genetics
Classification: Uncertain significance for Hereditary cancer-predisposing syndrome. Last evaluated: 2026-03-12. Review status: criteria provided, single submitter. Criteria: Ambry Variant Classification Scheme 2023. Collection method: clinical testing. Allele origin: germline.
Comment: The p.A953T variant (also known as c.2857G>A), located in coding exon 17 of the PTCH1 gene, results from a G to A substitution at nucleotide position 2857. The alanine at codon 953 is replaced by threonine, an amino acid with similar properties. This amino acid position is conserved. In addition, this alteration is predicted to be tolerated by in silico analysis. Based on the available evidence, the clinical significance of this variant remains unclear.

Labcorp Genetics (formerly Invitae), Labcorp
Classification: Likely benign for Gorlin syndrome. Last evaluated: 2024-05-15. Review status: criteria provided, single submitter. Criteria: Invitae Variant Classification Sherloc (09022015). Collection method: clinical testing. Allele origin: germline.

Baylor Genetics
Classification: Uncertain significance for Basal cell carcinoma, susceptibility to, 1. Last evaluated: 2024-02-23. Review status: criteria provided, single submitter. Criteria: ACMG Guidelines, 2015. Collection method: clinical testing. Allele origin: unknown.